The following is an entry in ClinVar:

ClinVar aggregate classification (germline): Likely pathogenic (1 of 4 stars; one submission).

Conditions:
Charlevoix-Saguenay spastic ataxia (SACS). Also called: AUTOSOMAL RECESSIVE SPASTIC ATAXIA OF CHARLEVOIX-SAGUENAY; Spastic ataxia of Charlevoix-Saguenay; SPASTIC ATAXIA 6, AUTOSOMAL RECESSIVE. Identifiers: Orphanet 98, MedGen C1849140, MONDO:0010041, OMIM 270550.

gnomAD v4.1: 1 of 1,613,926 alleles (0.000062%); highest among the groups gnomAD compares: African/African-American, 0.0013%; no homozygotes.

Submission:

Breakthrough Genomics
Classification: Likely pathogenic for Charlevoix-Saguenay spastic ataxia. Last evaluated: 2021-05-30. Review status: criteria provided, single submitter. Criteria: ACMG Guidelines, 2015. Collection method: clinical testing. Allele origin: germline. Affected: yes.
Comment: This variant is predicted to be damaging by insilico missense prediction tools (SIFT and Polyphen2). The variant has not been previously reported in the literature.

NM_014363.6(SACS):c.13658C>T (p.Thr4553Ile)

Gene: SACS (sacsin molecular chaperone; minus strand). Cytogenetic location: 13q12.12.
Variant type: single nucleotide variant.
Coding change: c.13658C>T on transcript NM_014363.6 (MANE Select); coding-DNA position 13658, C replaced by T.
Protein change: p.Thr4553Ile; replaces threonine 4553 with isoleucine.
Molecular consequence: missense variant.
Genome position (GRCh38, 1-based): chr13:23,330,218, G>A on the plus strand (C>T on the coding strand, the complement: SACS is on the minus strand). VCF-style: chr13-23330218-G-A. GRCh37 (hg19) VCF-style: chr13-23904357-G-A.
Other names: p.Thr4553Ile; c.13217C>T, p.Thr4406Ile (NM_001278055.2); short protein forms T4406I, T4553I.
Identifiers: ClinVar variation 3255614 (VCV003255614.2).